The following is an entry in ClinVar:

NM_000059.4(BRCA2):c.6011A>G (p.Glu2004Gly)

Gene: BRCA2 (BRCA2 DNA repair associated; plus strand). Cytogenetic location: 13q13.1.
Variant type: single nucleotide variant.
Coding change: c.6011A>G on transcript NM_000059.4 (MANE Select); coding-DNA position 6011, A replaced by G.
Protein change: p.Glu2004Gly; replaces glutamic acid 2004 with glycine.
Molecular consequence: missense variant.
Genome position (GRCh38, 1-based): chr13:32,340,366, A>G. VCF-style: chr13-32340366-A-G. GRCh37 (hg19) VCF-style: chr13-32914503-A-G.
Other names: short protein forms E2004G.
Identifiers: ClinVar variation 220001 (VCV000220001.10), dbSNP rs864622336, ClinGen allele CA350195.
Genomic context (GRCh38, chr13:32,340,366, plus strand): 5'-AATCTGTCCAGGTATCAGATGCTTCATTACAAAACGCAAGACAAGTGTTTTCTGAAATAG[A>G]AGATAGTACCAAGCAAGTCTTTTCCAAAGTATTGTTTAAAAGTAACGAACATTCAGACCA-3'
Protein context (NP_000050.3, residues 1994-2014): QNARQVFSEI[Glu2004Gly]DSTKQVFSKV

ClinVar aggregate classification (germline): Conflicting classifications of pathogenicity. Review status: criteria provided, conflicting classifications (1 of 4 stars). 2 submissions from 2 submitters: Uncertain significance (1); Likely benign (1). Last evaluated 2023-03-23.

Conditions:
Hereditary cancer-predisposing syndrome. Also called: Hereditary neoplastic syndrome; Tumor predisposition; Hereditary Cancer Syndrome; Neoplastic Syndromes, Hereditary. Identifiers: Orphanet 140162, MedGen C0027672, MeSH D009386, MONDO:0015356.
Hereditary breast ovarian cancer syndrome. Also called: BRCA1- and BRCA2-Associated Hereditary Breast and Ovarian Cancer; Hereditary breast and ovarian cancer syndrome (HBOC); Hereditary breast and/or ovarian cancer syndrome; Hereditary breast and ovarian cancer syndrome; Hereditary breast and ovarian cancer; Breast and ovarian cancer. Identifiers: Orphanet 145, MedGen C0677776, MeSH D061325, MONDO:0003582. Disease mechanism: loss of function.

Submissions (2):

University of Washington Department of Laboratory Medicine, University of Washington
Classification: Likely benign for Hereditary cancer-predisposing syndrome. Last evaluated: 2023-03-23. Review status: criteria provided, single submitter. Criteria: Dines et al. (Genet Med. 2020). Collection method: curation. Allele origin: germline.
Comment: Missense variant in a coldspot region where missense variants are very unlikely to be pathogenic (PMID:31911673).

BRCA2 exon 11 coldspot. Reclassification based on statistical prior probability.

Labcorp Genetics (formerly Invitae), Labcorp
Classification: Uncertain significance for Hereditary breast ovarian cancer syndrome. Last evaluated: 2022-07-12. Review status: criteria provided, single submitter. Criteria: Invitae Variant Classification Sherloc (09022015). Collection method: clinical testing. Allele origin: germline.
Comment: In summary, the available evidence is currently insufficient to determine the role of this variant in disease. Therefore, it has been classified as a Variant of Uncertain Significance. Advanced modeling of protein sequence and biophysical properties (such as structural, functional, and spatial information, amino acid conservation, physicochemical variation, residue mobility, and thermodynamic stability) performed at Invitae indicates that this missense variant is not expected to disrupt BRCA2 protein function. ClinVar contains an entry for this variant (Variation ID: 220001). This variant has not been reported in the literature in individuals affected with BRCA2-related conditions. This variant is not present in population databases (gnomAD no frequency). This sequence change replaces glutamic acid, which is acidic and polar, with glycine, which is neutral and non-polar, at codon 2004 of the BRCA2 protein (p.Glu2004Gly).